The following is an entry in ClinVar:

NM_032043.3(BRIP1):c.2098-11C>T

Gene: BRIP1 (BRCA1 interacting DNA helicase 1; minus strand). Cytogenetic location: 17q23.2.
Variant type: single nucleotide variant.
Coding change: c.2098-11C>T on transcript NM_032043.3 (MANE Select); 11 bases into the intron before coding-DNA position 2098, C replaced by T.
Molecular consequence: intron variant.
Genome position (GRCh38, 1-based): chr17:61,744,602, G>A on the plus strand (C>T on the coding strand, the complement: BRIP1 is on the minus strand). VCF-style: chr17-61744602-G-A. GRCh37 (hg19) VCF-style: chr17-59821963-G-A.
Identifiers: ClinVar variation 2927884 (VCV002927884.4), dbSNP rs1567781717, ClinGen allele CA626801934.

ClinVar aggregate classification (germline): Likely benign. Review status: criteria provided, multiple submitters, no conflicts (2 of 4 stars). 2 submissions from 2 submitters: Likely benign (2). Last evaluated 2025-11-12.

Conditions:
Familial cancer of breast. Also called: Hereditary breast cancer; hereditary breast carcinoma; BREAST CANCER, FAMILIAL. Identifiers: Orphanet 227535, MedGen C0346153, MONDO:0016419, OMIM 114480. Disease mechanism: loss of function.
Fanconi anemia complementation group J. Also called: BRIP1-Related Fanconi Anemia. Identifiers: Orphanet 84, MedGen C1836860, MONDO:0012187, OMIM 609054.

Allele frequency attached by ClinVar (database versions not stated): gnomAD exomes below 0.00001.
gnomAD v4.1: 5 of 1,610,696 alleles (0.00031%); highest among the groups gnomAD compares: Non-Finnish European, 0.00042%; no homozygotes.

Submissions (2):

Labcorp Genetics (formerly Invitae), Labcorp
Classification: Likely benign for Familial cancer of breast; Fanconi anemia complementation group J. Last evaluated: 2025-11-12. Review status: criteria provided, single submitter. Criteria: Invitae Variant Classification Sherloc (09022015). Collection method: clinical testing. Allele origin: germline.

Myriad Genetics, Inc.
Classification: Likely benign for Familial cancer of breast. Last evaluated: 2024-09-03. Review status: criteria provided, single submitter. Criteria: Myriad Autosomal Dominant, Autosomal Recessive and X-Linked Classification Criteria (2023). Collection method: clinical testing. Allele origin: unknown.
Comment: This variant is considered likely benign. This variant is intronic and is not expected to impact mRNA splicing.